The following is an entry in ClinVar:

ClinVar aggregate classification (germline): Likely pathogenic (1 of 4 stars; one submission).

Conditions:
Bardet-Biedl syndrome 9 (BBS9). Identifiers: Orphanet 110, MedGen C1859567, MONDO:0014437, OMIM 615986.

Submission:

Juno Genomics, Hangzhou Juno Genomics, Inc
Classification: Likely pathogenic for Bardet-Biedl syndrome 9. Review status: criteria provided, single submitter. Criteria: ACMG Guidelines, 2015. Collection method: clinical testing. Allele origin: germline. Affected: yes.
Comment: Absent from controls (or at extremely low frequency if recessive) in Genome Aggregation Database.;Protein length changes due to in-frame deletions/insertions in a non-repeat region or stop-loss variants.;Patient's phenotype or family history is highly specific for a disease with a single genetic etiology.;For recessive disorders, detected in trans with a pathogenic variant.

NM_198428.3(BBS9):c.720_721insCCAAAT (p.Asn240_Ile241insProAsn)

Gene: BBS9 (Bardet-Biedl syndrome 9; plus strand). Cytogenetic location: 7p14.3.
Variant type: Insertion.
Coding change: c.720_721insCCAAAT on transcript NM_198428.3 (MANE Select); coding-DNA positions 720 to 721, CCAAAT inserted.
Protein change: p.Asn240_Ile241insProAsn.
Molecular consequence: inframe insertion. On other transcripts: non-coding transcript variant (3).
Genome position: GRCh38 VCF-style: chr7-33273025-T-TAAATCC. GRCh37 (hg19) VCF-style: chr7-33312637-T-TAAATCC.
Other names: c.720_721insCCAAAT, p.Asn240_Ile241insProAsn (NM_001033604.2, NM_001033605.2, NM_001348036.1 and 5 more transcripts); c.354_355insCCAAAT, p.Asn118_Ile119insProAsn (NM_001348037.3, NM_001348044.3, NM_001348045.3 and 1 more transcripts); c.447_448insCCAAAT, p.Asn149_Ile150insProAsn (NM_001348038.3, NM_001348039.3); c.585_586insCCAAAT, p.Asn195_Ile196insProAsn (NM_001348042.3).
Identifiers: ClinVar variation 4796584 (VCV004796584.2).